The following is an entry in ClinVar:

ClinVar aggregate classification (germline): Uncertain significance (1 of 4 stars; one submission).

Allele frequency attached by ClinVar (database versions not stated): TOPMed below 0.00001; ExAC 0.00001; gnomAD exomes 0.00001.
gnomAD v4.1: 13 of 1,613,046 alleles (0.00081%); highest among the groups gnomAD compares: South Asian, 0.0088%; no homozygotes.

Submission:

Labcorp Genetics (formerly Invitae), Labcorp
Classification: Uncertain significance. Last evaluated: 2024-10-08. Review status: criteria provided, single submitter. Criteria: Invitae Variant Classification Sherloc (09022015). Collection method: clinical testing. Allele origin: germline.
Comment: This sequence change replaces threonine, which is neutral and polar, with alanine, which is neutral and non-polar, at codon 3026 of the PCLO protein (p.Thr3026Ala). This variant is present in population databases (rs780804966, gnomAD 0.007%). This variant has not been reported in the literature in individuals affected with PCLO-related conditions. ClinVar contains an entry for this variant (Variation ID: 1430355). Experimental studies and prediction algorithms are not available or were not evaluated, and the functional significance of this variant is currently unknown. In summary, the available evidence is currently insufficient to determine the role of this variant in disease. Therefore, it has been classified as a Variant of Uncertain Significance.

NM_033026.6(PCLO):c.9076A>G (p.Thr3026Ala)

Gene: PCLO (piccolo presynaptic cytomatrix protein; minus strand). Cytogenetic location: 7q21.11.
Variant type: single nucleotide variant.
Coding change: c.9076A>G on transcript NM_033026.6 (MANE Select); coding-DNA position 9076, A replaced by G.
Protein change: p.Thr3026Ala; replaces threonine 3026 with alanine.
Molecular consequence: missense variant.
Genome position (GRCh38, 1-based): chr7:82,951,877, T>C on the plus strand (A>G on the coding strand, the complement: PCLO is on the minus strand). VCF-style: chr7-82951877-T-C. GRCh37 (hg19) VCF-style: chr7-82581193-T-C.
Other names: c.9076A>G, p.Thr3026Ala (NM_014510.3); short protein forms T3026A.
Identifiers: ClinVar variation 1430355 (VCV001430355.8), dbSNP rs780804966, ClinGen allele CA4320007.